The following is an entry in ClinVar:

NM_000287.4(PEX6):c.1636C>T (p.Arg546Cys)

Gene: PEX6 (peroxisomal biogenesis factor 6; minus strand). Cytogenetic location: 6p21.1.
Variant type: single nucleotide variant.
Coding change: c.1636C>T on transcript NM_000287.4 (MANE Select); coding-DNA position 1636, C replaced by T.
Protein change: p.Arg546Cys; replaces arginine 546 with cysteine.
Molecular consequence: missense variant. On other transcripts: non-coding transcript variant (1).
Genome position (GRCh38, 1-based): chr6:42,968,342, G>A on the plus strand (C>T on the coding strand, the complement: PEX6 is on the minus strand). VCF-style: chr6-42968342-G-A. GRCh37 (hg19) VCF-style: chr6-42936080-G-A.
Other names: c.1372C>T, p.Arg458Cys (NM_001316313.2); short protein forms R458C, R546C.
Identifiers: ClinVar variation 933949 (VCV000933949.11), dbSNP rs750452619, ClinGen allele CA3811277.

ClinVar aggregate classification (germline): Uncertain significance. Review status: criteria provided, multiple submitters, no conflicts (2 of 4 stars). 7 submissions from 5 submitters: Uncertain significance (6). 1 of the submissions does not count toward it. Last evaluated 2025-11-15.

Conditions:
PEX6-related disorder. Also called: PEX6-related condition; PEX6-related disorders.
Inborn genetic diseases. Identifiers: MedGen C0950123, MeSH D030342.
Heimler syndrome 2 (HMLR2). Also called: PEROXISOME BIOGENESIS DISORDER 4C. Identifiers: Orphanet 3220, MedGen C4225267, OMIM 616617, MONDO:0014709.
Peroxisome biogenesis disorder. Identifiers: Orphanet 79189, MedGen C1832200, MONDO:0019234. Disease mechanism: loss of function.
Zellweger spectrum disorders (ZS). Also called: Zellweger Spectrum Disorder; Zellweger Spectrum; Zellweger syndrome; Zellweger Spectrum Disorder (ZSD). Identifiers: Orphanet 912, MedGen C0043459, MONDO:0019609.
Peroxisome biogenesis disorder 4B (PBD4B). Also called: SPINOCEREBELLAR ATAXIA WITH BLINDNESS AND DEAFNESS 1. Identifiers: Orphanet 44, Orphanet 95433, MedGen C3553937, MONDO:0013931, OMIM 614863.
Peroxisome biogenesis disorder 4A (Zellweger) (PBD4A). Also called: Zellweger syndrome spectrum (PEX6-related). Identifiers: Orphanet 912, MedGen C3553936, MONDO:0013930, OMIM 614862. Disease mechanism: loss of function.

Allele frequency attached by ClinVar (database versions not stated): gnomAD exomes 0.00002 and 0.00006; TOPMed 0.00002; ExAC 0.00007.
gnomAD v4.1: 22 of 1,614,154 alleles (0.0014%); highest among the groups gnomAD compares: Admixed American, 0.017%; no homozygotes.

Submissions (7):

Labcorp Genetics (formerly Invitae), Labcorp
Classification: Uncertain significance for Peroxisome biogenesis disorder. Last evaluated: 2025-11-15. Review status: criteria provided, single submitter. Criteria: Invitae Variant Classification Sherloc (09022015). Collection method: clinical testing. Allele origin: germline.
Comment: This sequence change replaces arginine, which is basic and polar, with cysteine, which is neutral and slightly polar, at codon 546 of the PEX6 protein (p.Arg546Cys). This variant is present in population databases (rs750452619, gnomAD 0.03%). This variant has not been reported in the literature in individuals affected with PEX6-related conditions. ClinVar contains an entry for this variant (Variation ID: 933949). Invitae Evidence Modeling of protein sequence and biophysical properties (such as structural, functional, and spatial information, amino acid conservation, physicochemical variation, residue mobility, and thermodynamic stability) has been performed for this missense variant. However, the output from this modeling did not meet the statistical confidence thresholds required to predict the impact of this variant on PEX6 protein function. In summary, the available evidence is currently insufficient to determine the role of this variant in disease. Therefore, it has been classified as a Variant of Uncertain Significance.

PreventionGenetics, part of Exact Sciences
Classification: Uncertain significance for PEX6-related condition. Last evaluated: 2025-07-09. Review status: criteria provided, single submitter. Criteria: ACMG Guidelines, 2015. Collection method: clinical testing. Allele origin: germline.
Comment: The PEX6 c.1636C>T variant is predicted to result in the amino acid substitution p.Arg546Cys. To our knowledge, this variant has not been reported in the literature. This variant is reported in 0.032% of alleles in individuals of Latino descent in gnomAD. At this time, the clinical significance of this variant is uncertain due to the absence of conclusive functional and genetic evidence.

Ambry Genetics
Classification: Uncertain significance for Inborn genetic diseases. Last evaluated: 2024-06-04. Review status: criteria provided, single submitter. Criteria: Ambry Variant Classification Scheme 2023. Collection method: clinical testing. Allele origin: germline.

Genome-Nilou Lab
Classification: Uncertain significance for Heimler syndrome 2. Last evaluated: 2021-07-14. Review status: criteria provided, single submitter. Criteria: ACMG Guidelines, 2015. Collection method: clinical testing. Allele origin: germline. Affected: no.

Genome-Nilou Lab
Classification: Uncertain significance for Peroxisome biogenesis disorder 4A (Zellweger). Last evaluated: 2021-07-14. Review status: criteria provided, single submitter. Criteria: ACMG Guidelines, 2015. Collection method: clinical testing. Allele origin: germline. Affected: no.

Genome-Nilou Lab
Classification: Uncertain significance for Peroxisome biogenesis disorder 4B. Last evaluated: 2021-07-14. Review status: criteria provided, single submitter. Criteria: ACMG Guidelines, 2015. Collection method: clinical testing. Allele origin: germline. Affected: no.

Natera, Inc.
Classification: Uncertain significance for Zellweger syndrome. Last evaluated: 2020-05-06. Review status: no assertion criteria provided. Collection method: clinical testing. Allele origin: germline. Not counted in ClinVar's aggregate classification.